The following is an entry in ClinVar:

ClinVar aggregate classification (germline): other (0 of 4 stars; one submission).

Conditions:
Familial colorectal cancer. Identifiers: MedGen CN280943, MONDO:0023113. Disease mechanism: loss of function.

Submission:

Systems Biology Platform Zhejiang California International NanoSystems Institute
Classification: other for Familial colorectal cancer. Review status: no assertion criteria provided. Collection method: not provided. Allele origin: unknown.
ClinVar note: Converted during submission from cancer to other.

NM_000038.6(APC):c.1743+349G>T

Gene: APC (APC regulator of WNT signaling pathway; plus strand). Cytogenetic location: 5q22.2.
Variant type: single nucleotide variant.
Coding change: c.1743+349G>T on transcript NM_000038.6 (MANE Select); 349 bases into the intron after coding-DNA position 1743, G replaced by T.
Molecular consequence: intron variant.
Genome position (GRCh38, 1-based): chr5:112,829,321, G>T. VCF-style: chr5-112829321-G-T. GRCh37 (hg19) VCF-style: chr5-112165018-G-T.
Other names: c.1743+349G>T (NM_001354895.2, NM_001127510.3); c.1773+349G>T (NM_001354897.2); c.1470+349G>T (NM_001354902.2); c.1689+349G>T (NM_001127511.3); c.1668+349G>T (NM_001354898.2); c.1365+349G>T (NM_001354904.2); c.894+349G>T (NM_001354906.2); c.1797+349G>T (NM_001354896.2); and 5 more.
Identifiers: ClinVar variation 83167 (VCV000083167.2), dbSNP rs76101832, ClinGen allele CA005669.